The following is an entry in ClinVar:

ClinVar aggregate classification (germline): Uncertain significance. Review status: criteria provided, multiple submitters, no conflicts (2 of 4 stars). 2 submissions from 2 submitters: Uncertain significance (2). Last evaluated 2026-07-27.

Conditions:
COL4A2-related disorder. Also called: COL4A2-related disorders; COL4A2-related condition.

gnomAD v4.1: 10 of 1,608,378 alleles (0.00062%); highest among the groups gnomAD compares: South Asian, 0.0033%; no homozygotes.

Submissions (2):

PreventionGenetics, part of Exact Sciences
Classification: Uncertain significance for COL4A2-related condition. Last evaluated: 2026-07-27. Review status: criteria provided, single submitter. Criteria: ACMG Guidelines, 2015. Collection method: clinical testing. Allele origin: germline.
Comment: The COL4A2 c.1411C>T variant is predicted to result in the amino acid substitution p.Arg471Cys. To our knowledge, this variant has not been reported in the literature. This variant is reported in 0.0098% of alleles in individuals of South Asian descent in gnomAD. Of note, another missense variant at the same amino acid position (p.Arg471His) has been reported in a patient with Alzheimer disease with another variant in the HTRA1 gene (Tábuas-Pereira et al. 2025. PubMed ID: 40185916 ). At this time, the clinical significance of the p.Arg471Cys variant is uncertain due to the absence of conclusive functional and genetic evidence.

Women's Health and Genetics/Laboratory Corporation of America, LabCorp
Classification: Uncertain significance. Last evaluated: 2024-11-19. Review status: criteria provided, single submitter. Criteria: LabCorp Variant Classification Summary - May 2015. Collection method: clinical testing. Allele origin: germline.
Comment: Variant summary: COL4A2 c.1411C>T (p.Arg471Cys) results in a non-conservative amino acid change located in the Collagen triple helix repeat (IPR008160) of the encoded protein sequence. Three of five in-silico tools predict a damaging effect of the variant on protein function. The variant allele was found at a frequency of 2e-05 in 248138 control chromosomes. The available data on variant occurrences in the general population are insufficient to allow any conclusion about variant significance. To our knowledge, no occurrence of c.1411C>T in individuals affected with Porencephaly 2 and no experimental evidence demonstrating its impact on protein function have been reported. No submitters have cited clinical-significance assessments for this variant to ClinVar. Based on the evidence outlined above, the variant was classified as uncertain significance.

NM_001846.4(COL4A2):c.1411C>T (p.Arg471Cys)

Genes: COL4A2 (collagen type IV alpha 2 chain; plus strand), COL4A2-AS2 (COL4A2 antisense RNA 2; minus strand). Cytogenetic location: 13q34.
Variant type: single nucleotide variant.
Coding change: c.1411C>T on transcript NM_001846.4 (MANE Select); coding-DNA position 1411, C replaced by T.
Protein change: p.Arg471Cys; replaces arginine 471 with cysteine.
Molecular consequence: missense variant.
Genome position (GRCh38, 1-based): chr13:110,457,414, C>T. VCF-style: chr13-110457414-C-T. GRCh37 (hg19) VCF-style: chr13-111109761-C-T.
Other names: c.1411C>T (NM_001846.3); short protein forms R471C.
Identifiers: ClinVar variation 3629980 (VCV003629980.2).